The following is an entry in ClinVar:

NM_152618.3(BBS12):c.2043_2052del (p.Leu681fs)

Gene: BBS12 (Bardet-Biedl syndrome 12; plus strand). Cytogenetic location: 4q27.
Variant type: Deletion.
Coding change: c.2043_2052del on transcript NM_152618.3 (MANE Select); coding-DNA positions 2043 to 2052, 10 bases deleted (GTTAGTACTT; older notation c.2043_2052delGTTAGTACTT).
Protein change: p.Leu681fs; shifts the reading frame from leucine 681.
Molecular consequence: frameshift variant.
Genome position (GRCh38, 1-based): chr4:122,743,935-122,743,944, GTTAGTACTT deleted; deleting any 10 consecutive bases within chr4:122,743,933-122,743,944 gives the same sequence; the c. name uses the placement nearest the transcript's 3' end. VCF-style (leftmost placement, unchanged base first): chr4-122743932-ATTGTTAGTAC-A. GRCh37 (hg19) VCF-style: chr4-123665087-ATTGTTAGTAC-A.
Other names: c.2043_2052del, p.Leu681fs (NM_001178007.2); short protein forms L681fs.
Identifiers: ClinVar variation 2763897 (VCV002763897.3), dbSNP rs2485078835, ClinGen allele CA2697546897.

ClinVar aggregate classification (germline): Pathogenic (1 of 4 stars; one submission).

Conditions:
Bardet-Biedl syndrome (BBS). Identifiers: Orphanet 110, MedGen C0752166, MONDO:0015229.

Submission:

Labcorp Genetics (formerly Invitae), Labcorp
Classification: Pathogenic for Bardet-Biedl syndrome. Last evaluated: 2023-09-27. Review status: criteria provided, single submitter. Criteria: Invitae Variant Classification Sherloc (09022015). Collection method: clinical testing. Allele origin: germline.
Comment: For these reasons, this variant has been classified as Pathogenic. This sequence change creates a premature translational stop signal (p.Leu681Phefs*7) in the BBS12 gene. While this is not anticipated to result in nonsense mediated decay, it is expected to disrupt the last 30 amino acid(s) of the BBS12 protein. This variant is not present in population databases (gnomAD no frequency). This variant has not been reported in the literature in individuals affected with BBS12-related conditions. This variant disrupts a region of the BBS12 protein in which other variant(s) (p.Ser701*) have been determined to be pathogenic (PMID: 20648243). This suggests that this is a clinically significant region of the protein, and that variants that disrupt it are likely to be disease-causing.

Literature cited by the submitters: PubMed 20648243.